The following is an entry in ClinVar:

ClinVar aggregate classification (germline): Uncertain significance. Review status: criteria provided, multiple submitters, no conflicts (2 of 4 stars). 2 submissions from 2 submitters: Uncertain significance (2). Last evaluated 2024-03-20.

Conditions:
Hereditary cancer-predisposing syndrome. Also called: Neoplastic Syndromes, Hereditary; Tumor predisposition; Hereditary Cancer Syndrome; Hereditary neoplastic syndrome. Identifiers: Orphanet 140162, MedGen C0027672, MeSH D009386, MONDO:0015356.

Submissions (2):

Labcorp Genetics (formerly Invitae), Labcorp
Classification: Uncertain significance. Last evaluated: 2024-03-20. Review status: criteria provided, single submitter. Criteria: Invitae Variant Classification Sherloc (09022015). Collection method: clinical testing. Allele origin: germline.
Comment: This sequence change replaces glutamic acid, which is acidic and polar, with alanine, which is neutral and non-polar, at codon 725 of the MSH3 protein (p.Glu725Ala). This variant is not present in population databases (gnomAD no frequency). This variant has not been reported in the literature in individuals affected with MSH3-related conditions. ClinVar contains an entry for this variant (Variation ID: 1787150). An algorithm developed to predict the effect of missense changes on protein structure and function (PolyPhen-2) suggests that this variant is likely to be tolerated. In summary, the available evidence is currently insufficient to determine the role of this variant in disease. Therefore, it has been classified as a Variant of Uncertain Significance.

Ambry Genetics
Classification: Uncertain significance for Hereditary cancer-predisposing syndrome. Last evaluated: 2021-01-06. Review status: criteria provided, single submitter. Criteria: Ambry Variant Classification Scheme 2023. Collection method: clinical testing. Allele origin: germline.
Comment: The p.E725A variant (also known as c.2174A>C), located in coding exon 15 of the MSH3 gene, results from an A to C substitution at nucleotide position 2174. The glutamic acid at codon 725 is replaced by alanine, an amino acid with dissimilar properties. This amino acid position is poorly conserved in available vertebrate species. In addition, this alteration is predicted to be tolerated by in silico analysis. Since supporting evidence is limited at this time, the clinical significance of this alteration remains unclear.

NM_002439.5(MSH3):c.2174A>C (p.Glu725Ala)

Gene: MSH3 (mutS homolog 3; plus strand). Cytogenetic location: 5q14.1.
Variant type: single nucleotide variant.
Coding change: c.2174A>C on transcript NM_002439.5 (MANE Select); coding-DNA position 2174, A replaced by C.
Protein change: p.Glu725Ala; replaces glutamic acid 725 with alanine.
Molecular consequence: missense variant.
Genome position (GRCh38, 1-based): chr5:80,768,924, A>C. VCF-style: chr5-80768924-A-C. GRCh37 (hg19) VCF-style: chr5-80064743-A-C.
Other names: short protein forms E725A.
Identifiers: ClinVar variation 1787150 (VCV001787150.5), dbSNP rs1444016720, ClinGen allele CA360279507.